The following is an entry in ClinVar:

NM_198525.3(KIF7):c.1123C>G (p.Pro375Ala)

Gene: KIF7 (kinesin family member 7; minus strand). Cytogenetic location: 15q26.1.
Variant type: single nucleotide variant.
Coding change: c.1123C>G on transcript NM_198525.3 (MANE Select); coding-DNA position 1123, C replaced by G.
Protein change: p.Pro375Ala; replaces proline 375 with alanine.
Molecular consequence: missense variant.
Genome position (GRCh38, 1-based): chr15:89,648,575, G>C on the plus strand (C>G on the coding strand, the complement: KIF7 is on the minus strand). VCF-style: chr15-89648575-G-C. GRCh37 (hg19) VCF-style: chr15-90191806-G-C.
Other names: short protein forms P375A.
Identifiers: ClinVar variation 1997451 (VCV001997451.4), dbSNP rs1300335031, ClinGen allele CA393772376.

ClinVar aggregate classification (germline): Uncertain significance (1 of 4 stars; one submission).

Conditions:
Acrocallosal syndrome (ACLS). Also called: HALLUX DUPLICATION, POSTAXIAL POLYDACTYLY, AND ABSENCE OF CORPUS CALLOSUM; Schinzel syndrome 1; Absence of corpus callosum with unusual facial appearance, mental deficiency, duplication of the halluces and polydactyly. Identifiers: Orphanet 36, MedGen C0796147, MONDO:0008708, OMIM 200990.

Submission:

Labcorp Genetics (formerly Invitae), Labcorp
Classification: Uncertain significance for Acrocallosal syndrome. Last evaluated: 2022-05-21. Review status: criteria provided, single submitter. Criteria: Invitae Variant Classification Sherloc (09022015). Collection method: clinical testing. Allele origin: germline.
Comment: This variant is not present in population databases (gnomAD no frequency). In summary, the available evidence is currently insufficient to determine the role of this variant in disease. Therefore, it has been classified as a Variant of Uncertain Significance. Algorithms developed to predict the effect of missense changes on protein structure and function (SIFT, PolyPhen-2, Align-GVGD) all suggest that this variant is likely to be tolerated. This variant has not been reported in the literature in individuals affected with KIF7-related conditions. This sequence change replaces proline, which is neutral and non-polar, with alanine, which is neutral and non-polar, at codon 375 of the KIF7 protein (p.Pro375Ala).